The following is an entry in ClinVar:

ClinVar aggregate classification (germline): Uncertain significance (1 of 4 stars; one submission).

Conditions:
Tuberous sclerosis 1 (TSC1). Identifiers: Orphanet 805, MedGen C1854465, MONDO:0008612, OMIM 191100.

Submission:

Labcorp Genetics (formerly Invitae), Labcorp
Classification: Uncertain significance for Tuberous sclerosis 1. Last evaluated: 2025-05-12. Review status: criteria provided, single submitter. Criteria: Invitae Variant Classification Sherloc (09022015). Collection method: clinical testing. Allele origin: germline.
Comment: This variant, c.326_328del, is a complex sequence change that results in the deletion of 2 and insertion of 1 amino acid(s) in the TSC1 protein (p.Gln109_Ala110delinsPro). This variant is not present in population databases (gnomAD no frequency). This variant has not been reported in the literature in individuals affected with TSC1-related conditions. ClinVar contains an entry for this variant (Variation ID: 963559). Experimental studies and prediction algorithms are not available or were not evaluated, and the functional significance of this variant is currently unknown. In summary, the available evidence is currently insufficient to determine the role of this variant in disease. Therefore, it has been classified as a Variant of Uncertain Significance.

NM_000368.5(TSC1):c.326_328del (p.Gln109_Ala110delinsPro)

Gene: TSC1 (TSC complex subunit 1; minus strand). Cytogenetic location: 9q34.13.
Variant type: Deletion.
Coding change: c.326_328del on transcript NM_000368.5 (MANE Select); coding-DNA positions 326 to 328, 3 bases deleted (AAG; older notation c.326_328delAAG).
Protein change: p.Gln109_Ala110delinsPro.
Molecular consequence: inframe indel. On other transcripts: 5 prime UTR variant (1), intron variant (1).
Genome position (GRCh38, 1-based): chr9:132,925,622-132,925,624, CTT deleted on the plus strand (AAG on the coding strand, the reverse complement: TSC1 is on the minus strand). VCF-style (leftmost placement, unchanged base first): chr9-132925621-GCTT-G. GRCh37 (hg19) VCF-style: chr9-135801008-GCTT-G.
Other names: c.326_328del, p.Gln109_Ala110delinsPro (NM_001162426.2); c.-38_-36del (NM_001362177.2); c.210+1577_210+1579del (NM_001162427.2).
Identifiers: ClinVar variation 963559 (VCV000963559.9), dbSNP rs1846810976, ClinGen allele CA1139661301.